The following is an entry in ClinVar:

ClinVar aggregate classification (germline): Uncertain significance (1 of 4 stars; one submission).

Conditions:
Dilated cardiomyopathy 1G (CMD1G). Identifiers: Orphanet 154, MedGen C1858763, MONDO:0011400, OMIM 604145.
Autosomal recessive limb-girdle muscular dystrophy type 2J (LGMDR10). Also called: Limb-girdle muscular dystrophy, type 2J; MUSCULAR DYSTROPHY, LIMB-GIRDLE, AUTOSOMAL RECESSIVE 10. Identifiers: Orphanet 140922, MedGen C1837342, MONDO:0012127, OMIM 608807.

gnomAD v4.1: 2 of 1,613,948 alleles (0.00012%); highest among the groups gnomAD compares: East Asian, 0.0022%; no homozygotes.

Submission:

Labcorp Genetics (formerly Invitae), Labcorp
Classification: Uncertain significance for Dilated cardiomyopathy 1G; Autosomal recessive limb-girdle muscular dystrophy type 2J. Last evaluated: 2020-07-07. Review status: criteria provided, single submitter. Criteria: Invitae Variant Classification Sherloc (09022015). Collection method: clinical testing. Allele origin: germline.
Comment: In summary, the available evidence is currently insufficient to determine the role of this variant in disease. Therefore, it has been classified as a Variant of Uncertain Significance. The isoleucine amino acid residue is found in multiple mammalian species, suggesting that this missense change does not adversely affect protein function. These predictions have not been confirmed by published functional studies and their clinical significance is uncertain. This variant is located in the M band of TTN (PMID: 25589632). Variants in this region may be relevant for neuromuscular disorders, but have not been definitively shown to cause cardiomyopathy (PMID: 23975875). Algorithms developed to predict the effect of missense changes on protein structure and function are unavailable for the TTN gene. This variant has not been reported in the literature in individuals with TTN-related conditions. This variant is not present in population databases (ExAC no frequency). This sequence change replaces valine with isoleucine at codon 34333 of the TTN protein (p.Val34333Ile). There is a small physicochemical difference between valine and isoleucine.

Literature cited by the submitters: PubMed 25589632; PubMed 23975875.

NM_001267550.2(TTN):c.102997G>A (p.Val34333Ile)

Genes: TTN (titin; minus strand), TTN-AS1 (TTN antisense RNA 1; plus strand). Cytogenetic location: 2q31.2.
Variant type: single nucleotide variant.
Coding change: c.102997G>A on transcript NM_001267550.2 (MANE Select); coding-DNA position 102997, G replaced by A.
Protein change: p.Val34333Ile; replaces valine 34333 with isoleucine.
Molecular consequence: missense variant.
Genome position (GRCh38, 1-based): chr2:178,533,618, C>T on the plus strand (G>A on the coding strand, the complement: TTN is on the minus strand). VCF-style: chr2-178533618-C-T. GRCh37 (hg19) VCF-style: chr2-179398345-C-T.
Other names: c.98074G>A, p.Val32692Ile (NM_001256850.1); c.75802G>A, p.Val25268Ile (NM_003319.4); c.95293G>A, p.Val31765Ile (NM_133378.4); c.76177G>A, p.Val25393Ile (NM_133432.3); c.76378G>A, p.Val25460Ile (NM_133437.4); short protein forms V25268I, V25393I, V25460I, V31765I, V32692I, V34333I.
Identifiers: ClinVar variation 1053016 (VCV001053016.7), dbSNP rs763815899, ClinGen allele CA349415559.